The following is an entry in ClinVar:

NM_000031.6(ALAD):c.446G>A (p.Arg149Gln)

Gene: ALAD (aminolevulinate dehydratase; minus strand). Cytogenetic location: 9q32.
Variant type: single nucleotide variant.
Coding change: c.446G>A on transcript NM_000031.6 (MANE Select); coding-DNA position 446, G replaced by A.
Protein change: p.Arg149Gln; replaces arginine 149 with glutamine.
Molecular consequence: missense variant.
Genome position (GRCh38, 1-based): chr9:113,390,628, C>T on the plus strand (G>A on the coding strand, the complement: ALAD is on the minus strand). VCF-style: chr9-113390628-C-T. GRCh37 (hg19) VCF-style: chr9-116152908-C-T.
Other names: c.533G>A, p.Arg178Gln (NM_001003945.3); c.422G>A, p.Arg141Gln (NM_001317745.2); short protein forms R141Q, R149Q, R178Q.
Identifiers: ClinVar variation 2431037 (VCV002431037.1), dbSNP rs528493383, ClinGen allele CA5196486.
Genomic context (GRCh38, chr9:113,390,628, plus strand): 5'-CCATCCCTGCTGGTGGTTCACTCACCTGCCTTGGCATACGCCAATGCCACCTCAGCCAGC[C>T]GCTGGCGGCTCTCCTCAGCCCGGAATGCTCCGTTTTCACTCAGGAGCCCTTCAGGACAGA-3'
Protein context (NP_000022.3, residues 139-159): GAFRAEESRQ[Arg149Gln]LAEVALAYAK

ClinVar aggregate classification (germline): Uncertain significance (1 of 4 stars; one submission).

Conditions:
Porphobilinogen synthase deficiency. Also called: Porphyria due to ALA dehydratase deficiency; ALAD DEFICIENCY; DELTA-AMINOLEVULINATE DEHYDRATASE DEFICIENCY; DOSS PORPHYRIA; PORPHYRIA, ALAD. Identifiers: Orphanet 100924, MedGen C0268328, MONDO:0013000, OMIM 612740.

Allele frequency attached by ClinVar (database versions not stated): gnomAD 0.00001; gnomAD exomes 0.00003; TOPMed 0.00003; ExAC 0.00005; 1000 Genomes Project 30x 0.00016; 1000 Genomes Project 0.00020.

Submission:

Department of Paediatric Medicine, Post Graduation Institute of Medical Education and Research
Classification: Uncertain significance for Porphobilinogen synthase deficiency. Last evaluated: 2023-03-01. Review status: criteria provided, single submitter. Criteria: ACMG Guidelines, 2015. Collection method: clinical testing. Allele origin: inherited. Inheritance: Autosomal recessive inheritance. Affected: yes. Observed: 1 variant allele, 1 homozygote.
Comment: PM2: Absent from controls (or at extremely low frequency if recessive) in Exome Sequencing Project, 1000 Genomes Project, or Exome Aggregation Consortium PP2: Missense variant in a gene that has a low rate of benign missense variation and in which missense variants are a common mechanism of disease PP3: Multiple lines of computational evidence support a deleterious effect on the gene or gene product (conservation, evolutionary, splicing impact, etc.)